The following is an entry in ClinVar:

ClinVar aggregate classification (germline): Uncertain significance (1 of 4 stars; one submission).

Conditions:
Infantile-onset X-linked spinal muscular atrophy. Also called: AMC, DISTAL, X-LINKED; ARTHROGRYPOSIS, X-LINKED, TYPE I; SPINAL MUSCULAR ATROPHY, X-LINKED LETHAL INFANTILE; Spinal Muscular Atrophy, X-Linked Infantile; Spinal muscular atrophy, X-linked 2. Identifiers: Orphanet 1145, MedGen C1844934, MONDO:0010532, OMIM 301830.

Submission:

Labcorp Genetics (formerly Invitae), Labcorp
Classification: Uncertain significance for Infantile-onset X-linked spinal muscular atrophy. Last evaluated: 2024-04-15. Review status: criteria provided, single submitter. Criteria: Invitae Variant Classification Sherloc (09022015). Collection method: clinical testing. Allele origin: germline.
Comment: This variant, c.455_457del, results in the deletion of 1 amino acid(s) of the UBA1 protein (p.Val152del), but otherwise preserves the integrity of the reading frame. This variant is not present in population databases (gnomAD no frequency). This variant has not been reported in the literature in individuals affected with UBA1-related conditions. Experimental studies and prediction algorithms are not available or were not evaluated, and the functional significance of this variant is currently unknown. In summary, the available evidence is currently insufficient to determine the role of this variant in disease. Therefore, it has been classified as a Variant of Uncertain Significance.

NM_003334.4(UBA1):c.455_457del (p.Val152del)

Gene: UBA1 (ubiquitin like modifier activating enzyme 1; plus strand). Cytogenetic location: Xp11.3.
Variant type: Deletion.
Coding change: c.455_457del on transcript NM_003334.4 (MANE Select); coding-DNA positions 455 to 457, 3 bases deleted (TTG; older notation c.455_457delTTG).
Protein change: p.Val152del; deletes valine 152.
Genome position (GRCh38, 1-based): chrX:47,199,589-47,199,591, TTG deleted; deleting any 3 consecutive bases within chrX:47,199,588-47,199,591 gives the same sequence; the c. name uses the placement nearest the transcript's 3' end. VCF-style (leftmost placement, unchanged base first): chrX-47199587-CGTT-C. GRCh37 (hg19) VCF-style: chrX-47058986-CGTT-C.
Other names: c.455_457del, p.Val152del (NM_153280.3); short protein forms V152del.
Identifiers: ClinVar variation 3647551 (VCV003647551.2).